The following is an entry in ClinVar:

ClinVar aggregate classification (germline): Uncertain significance (1 of 4 stars; one submission).

Conditions:
Inborn genetic diseases. Identifiers: MedGen C0950123, MeSH D030342.

Submission:

Ambry Genetics
Classification: Uncertain significance for Inborn genetic diseases. Last evaluated: 2025-01-14. Review status: criteria provided, single submitter. Criteria: Ambry Variant Classification Scheme 2023. Collection method: clinical testing. Allele origin: germline.
Comment: The p.L155F variant (also known as c.465G>C), located in coding exon 4 of the BMPR2 gene, results from a G to C substitution at nucleotide position 465. The leucine at codon 155 is replaced by phenylalanine, an amino acid with highly similar properties. This amino acid position is conserved. In addition, this alteration is predicted to be deleterious by in silico analysis. Based on the available evidence, the clinical significance of this variant remains unclear.

NM_001204.7(BMPR2):c.465G>C (p.Leu155Phe)

Gene: BMPR2 (bone morphogenetic protein receptor type 2; plus strand). Cytogenetic location: 2q33.2.
Variant type: single nucleotide variant.
Coding change: c.465G>C on transcript NM_001204.7 (MANE Select); coding-DNA position 465, G replaced by C.
Protein change: p.Leu155Phe; replaces leucine 155 with phenylalanine.
Molecular consequence: missense variant.
Genome position (GRCh38, 1-based): chr2:202,513,765, G>C. VCF-style: chr2-202513765-G-C. GRCh37 (hg19) VCF-style: chr2-203378488-G-C.
Other names: short protein forms L155F.
Identifiers: ClinVar variation 3824841 (VCV003824841.1).
Genomic context (GRCh38, chr2:202,513,765, plus strand): 5'-TTGTTTTCTTTTAGGTCCACCTCATTCATTTAACCGAGATGAGACAATAATCATTGCTTT[G>C]GCATCAGTCTCTGTATTAGCTGTTTTGATAGTTGCCTTATGCTTTGGATACAGAATGTTG-3'
Protein context (NP_001195.2, residues 145-165): FNRDETIIIA[Leu155Phe]ASVSVLAVLI